The following is an entry in ClinVar:

ClinVar aggregate classification (germline): Pathogenic. Review status: criteria provided, multiple submitters, no conflicts (2 of 4 stars). 7 submissions from 7 submitters: Pathogenic (7). Last evaluated 2025-10-29.

Conditions:
Autosomal recessive limb-girdle muscular dystrophy. Identifiers: Orphanet 102015, MedGen C2931907, MONDO:0015152.
Miyoshi muscular dystrophy 1 (MMD1). Identifiers: Orphanet 45448, MedGen C4551973, MONDO:0024545, OMIM 254130.
Autosomal recessive limb-girdle muscular dystrophy type 2B (LGMDR2). Also called: Limb-Girdle Muscular Dystrophy Type 2B (LGMD2B); Limb-girdle muscular dystrophy, type 2B; MUSCULAR DYSTROPHY, LIMB-GIRDLE, TYPE 3; MUSCULAR DYSTROPHY, LIMB-GIRDLE, AUTOSOMAL RECESSIVE 2. Identifiers: Orphanet 268, MedGen C1850889, MONDO:0009676, OMIM 253601.
DYSF-related disorder. Also called: DYSF-related disorders; DYSF-related condition.
Distal myopathy with anterior tibial onset. Identifiers: Orphanet 178400, MedGen C1847532, MONDO:0011721, OMIM 606768.
Neuromuscular disease caused by qualitative or quantitative defects of dysferlin. Also called: Dysferlinopathy; Qualitative or quantitative defects of dysferlin. Identifiers: Orphanet 207073, MedGen C2931687, MONDO:0016145.

Submissions (7):

Natera, Inc.
Classification: Pathogenic for Limb-girdle muscular dystrophy type 2B. Last evaluated: 2025-10-29. Review status: criteria provided, single submitter. Criteria: Natera Variant Classification Schema (03/2026). Collection method: clinical testing. Allele origin: germline.
Comment: The c.4200delC variant in DYSF is a frameshift variant predicted to shift the reading frame beginning at codon 1401 and leads to a stop codon 47 codons downstream. This variant is expected to result in nonsense mediated decay, truncation, or a dysfunctional protein product. This variant is rare in the general population with a frequency below the threshold expected for the associated phenotype(s). This variant has been observed in one or more individuals affected with the associated recessive disease, as either homozygous or compound heterozygous with a second variant (PMID: 33031319, 28403181, 17698709). Given the available evidence, this variant is classified as Pathogenic.

3billion
Classification: Pathogenic for DYSF-related disorder. Last evaluated: 2025-06-09. Review status: criteria provided, single submitter. Criteria: ACMG Guidelines, 2015. Collection method: clinical testing. Allele origin: germline. Affected: yes.
Comment: The variant is observed at an extremely low frequency in the gnomAD v4.1.0 dataset (total allele frequency: <0.001%). Predicted Consequence/Location: Frameshift: predicted to result in a loss or disruption of normal protein function through nonsense-mediated decay (NMD) or protein truncation. Multiple pathogenic variants are reported downstream of the variant. The variant has been reported at least twice as pathogenic without evidence for the classification (ClinVar ID: VCV001402261 /PMID: 17698709 /3billion dataset). Therefore, this variant is classified as Pathogenic according to the recommendation of ACMG/AMP guideline.

Women's Health and Genetics/Laboratory Corporation of America, LabCorp
Classification: Pathogenic for Autosomal recessive limb-girdle muscular dystrophy. Last evaluated: 2024-05-07. Review status: criteria provided, single submitter. Criteria: LabCorp Variant Classification Summary - May 2015. Collection method: clinical testing. Allele origin: germline.
Comment: Variant summary: DYSF c.4200delC (p.Ile1401SerfsX47) results in a premature termination codon, predicted to cause a truncation of the encoded protein or absence of the protein due to nonsense mediated decay, which are commonly known mechanisms for disease. The variant allele was found at a frequency of 1.6e-05 in 250638 control chromosomes (gnomAD). c.4200delC has been reported in the literature in individuals affected with Limb-Girdle Muscular Dystrophy, Autosomal Recessive (e.g. Yu_2017, Zhong_2021). To our knowledge, no experimental evidence demonstrating an impact on protein function has been reported. The following publications have been ascertained in the context of this evaluation (PMID: 28403181, 34559919). ClinVar contains an entry for this variant (Variation ID: 1402261). Based on the evidence outlined above, the variant was classified as pathogenic.

CeGaT Center for Human Genetics Tuebingen
Classification: Pathogenic. Last evaluated: 2024-01-01. Review status: criteria provided, single submitter. Criteria: CeGaT Center For Human Genetics Tuebingen Variant Classification Criteria Version 2. Collection method: clinical testing. Allele origin: germline. Affected: yes. Observed: 1 variant allele.
Comment: DYSF: PVS1, PM3:Strong, PM2

Labcorp Genetics (formerly Invitae), Labcorp
Classification: Pathogenic for Neuromuscular disease caused by qualitative or quantitative defects of dysferlin. Last evaluated: 2023-10-09. Review status: criteria provided, single submitter. Criteria: Invitae Variant Classification Sherloc (09022015). Collection method: clinical testing. Allele origin: germline.
Comment: This sequence change creates a premature translational stop signal (p.Ile1401Serfs*47) in the DYSF gene. It is expected to result in an absent or disrupted protein product. Loss-of-function variants in DYSF are known to be pathogenic (PMID: 17698709, 20301480). This variant is present in population databases (rs761906044, gnomAD 0.02%). This premature translational stop signal has been observed in individual(s) with limb-girdle muscular dystrophy (PMID: 17698709, 26088049, 30107846). ClinVar contains an entry for this variant (Variation ID: 1402261). For these reasons, this variant has been classified as Pathogenic.

Baylor Genetics
Classification: Pathogenic for Miyoshi muscular dystrophy 1. Last evaluated: 2023-08-10. Review status: criteria provided, single submitter. Criteria: ACMG Guidelines, 2015. Collection method: clinical testing. Allele origin: unknown.

Juno Genomics, Hangzhou Juno Genomics, Inc
Classification: Pathogenic for Miyoshi muscular dystrophy 1; Autosomal recessive limb-girdle muscular dystrophy type 2B; Distal myopathy with anterior tibial onset. Review status: criteria provided, single submitter. Criteria: ACMG Guidelines, 2015. Collection method: clinical testing. Allele origin: germline.
Comment: Absent from controls (or at extremely low frequency if recessive) in Genome Aggregation Database.;Null variant in a gene where loss of function (LOF) is a known mechanism of disease.;For recessive disorders, detected in trans with a pathogenic variant.

Literature cited by the submitters: PubMed 33031319 (cited by Natera, Inc.); PubMed 28403181 (cited by Natera, Inc. and Women's Health and Genetics/Laboratory Corporation of America, LabCorp); PubMed 17698709 (cited by 3 submitters); PubMed 34559919 (cited by Women's Health and Genetics/Laboratory Corporation of America, LabCorp); PubMed 20301480 (cited by Labcorp Genetics (formerly Invitae), Labcorp); PubMed 26088049 (cited by Labcorp Genetics (formerly Invitae), Labcorp); PubMed 30107846 (cited by Labcorp Genetics (formerly Invitae), Labcorp).

NM_001130987.2(DYSF):c.4254del (p.Ile1419fs)

Gene: DYSF (dysferlin; plus strand). Cytogenetic location: 2p13.2.
Variant type: Deletion.
Coding change: c.4254del on transcript NM_001130987.2 (MANE Select); coding-DNA position 4254, one base deleted (C; older notation c.4254delC).
Protein change: p.Ile1419fs; shifts the reading frame from isoleucine 1419.
Molecular consequence: frameshift variant.
Genome position (GRCh38, 1-based): chr2:71,612,673, C deleted; the last of 7 consecutive C bases (chr2:71,612,667-71,612,673); deleting any one gives the same sequence. VCF-style (leftmost placement, unchanged base first): chr2-71612666-GC-G. GRCh37 (hg19) VCF-style: chr2-71839796-GC-G.
Other names: c.4200delC (NM_003494.4, NM_003494.3); c.4203del, p.Ile1402fs (NM_001130455.2, NM_001130983.2); c.4158del, p.Ile1387fs (NM_001130976.2, NM_001130977.2); c.4200del, p.Ile1401fs (NM_001130978.2, NM_003494.4); c.4293del, p.Ile1432fs (NM_001130979.2); c.4251del, p.Ile1418fs (NM_001130980.2, NM_001130981.2); c.4296del, p.Ile1433fs (NM_001130982.2); c.4161del, p.Ile1388fs (NM_001130984.2, NM_001130986.2); and 1 more; short protein forms I1401fs, I1419fs, I1432fs, I1388fs, I1418fs, I1387fs, I1402fs, I1433fs.
Identifiers: ClinVar variation 1402261 (VCV001402261.34), dbSNP rs398123786, ClinGen allele CA1706939.